The following is an entry in ClinVar:

ClinVar aggregate classification (germline): Uncertain significance. Review status: criteria provided, multiple submitters, no conflicts (2 of 4 stars). 3 submissions from 3 submitters: Uncertain significance (2). 1 of the submissions does not count toward it. Last evaluated 2026-01-01.

Conditions:
Neurodevelopmental disorder with or without hyperkinetic movements and seizures, autosomal dominant. Also called: Intellectual disability, autosomal dominant 8. Identifiers: MedGen C3280282, MONDO:0013655, OMIM 614254.

Allele frequency attached by ClinVar (database versions not stated): gnomAD exomes below 0.00001.
gnomAD v4.1: 1 of 1,609,838 alleles (0.000062%); highest among the groups gnomAD compares: Non-Finnish European, 0.000085%; no homozygotes.

Submissions (3):

CeGaT Center for Human Genetics Tuebingen
Classification: Uncertain significance. Last evaluated: 2026-01-01. Review status: criteria provided, single submitter. Criteria: CeGaT Center For Human Genetics Tuebingen Variant Classification Criteria Version 2. Collection method: clinical testing. Allele origin: germline. Affected: yes. Observed: 1 variant allele.

Labcorp Genetics (formerly Invitae), Labcorp
Classification: Uncertain significance for Neurodevelopmental disorder with or without hyperkinetic movements and seizures, autosomal dominant. Last evaluated: 2024-02-23. Review status: criteria provided, single submitter. Criteria: Invitae Variant Classification Sherloc (09022015). Collection method: clinical testing. Allele origin: germline.
Comment: This sequence change replaces threonine, which is neutral and polar, with methionine, which is neutral and non-polar, at codon 442 of the GRIN1 protein (p.Thr442Met). This variant is not present in population databases (gnomAD no frequency). This variant has not been reported in the literature in individuals affected with GRIN1-related conditions. ClinVar contains an entry for this variant (Variation ID: 98401). Advanced modeling of protein sequence and biophysical properties (such as structural, functional, and spatial information, amino acid conservation, physicochemical variation, residue mobility, and thermodynamic stability) has been performed at Invitae for this missense variant, however the output from this modeling did not meet the statistical confidence thresholds required to predict the impact of this variant on GRIN1 protein function. In summary, the available evidence is currently insufficient to determine the role of this variant in disease. Therefore, it has been classified as a Variant of Uncertain Significance.

Psychiatry Genetics Yale University
No classification provided. Review status: no classification provided. Collection method: not provided. Allele origin: not provided. Not counted in ClinVar's aggregate classification.

NM_007327.4(GRIN1):c.1325C>T (p.Thr442Met)

Gene: GRIN1 (glutamate ionotropic receptor NMDA type subunit 1; plus strand). Cytogenetic location: 9q34.3.
Variant type: single nucleotide variant.
Coding change: c.1325C>T on transcript NM_007327.4 (MANE Select); coding-DNA position 1325, C replaced by T.
Protein change: p.Thr442Met; replaces threonine 442 with methionine.
Molecular consequence: missense variant.
Genome position (GRCh38, 1-based): chr9:137,161,183, C>T. VCF-style: chr9-137161183-C-T. GRCh37 (hg19) VCF-style: chr9-140055635-C-T.
Other names: c.1325C>T, p.Thr442Met (NM_000832.7, NM_021569.4); c.1388C>T, p.Thr463Met (NM_001185090.2, NM_001185091.2); short protein forms T442M, T463M.
Identifiers: ClinVar variation 98401 (VCV000098401.13), dbSNP rs367543113, ClinGen allele CA225671.